The following is an entry in ClinVar:

NM_016616.5(NME8):c.967C>T (p.Arg323Ter)

Gene: NME8 (NME/NM23 family member 8; plus strand). Cytogenetic location: 7p14.1.
Variant type: single nucleotide variant.
Coding change: c.967C>T on transcript NM_016616.5 (MANE Select); coding-DNA position 967, C replaced by T.
Protein change: p.Arg323Ter; replaces arginine 323 with a stop codon.
Molecular consequence: nonsense.
Genome position (GRCh38, 1-based): chr7:37,876,980, C>T. VCF-style: chr7-37876980-C-T. GRCh37 (hg19) VCF-style: chr7-37916582-C-T.
Other names: short protein forms R323*.
Identifiers: ClinVar variation 3665905 (VCV003665905.2).
Genomic context (GRCh38, chr7:37,876,980, plus strand): 5'-TTCTTCCCCGATTTTAAAAAAATGAAAAGCATGAAATTAGAAAAGACATTGGCATTACTT[C>T]GACCAAATCTCTTTCATGAAAGGAAAGGTAGGGAATCAAGCATAAATTGTTTAAGTATTT-3'

ClinVar aggregate classification (germline): Uncertain significance (1 of 4 stars; one submission).

Conditions:
Primary ciliary dyskinesia 6. Also called: Primary Ciliary Dyskinesia 6: TXNDC3-Related Primary Ciliary Dyskinesia. Identifiers: Orphanet 244, MedGen C1970506, MONDO:0012571, OMIM 610852.

gnomAD v4.1: 5 of 1,612,970 alleles (0.00031%); highest among the groups gnomAD compares: South Asian, 0.0011%; no homozygotes.

Submission:

Labcorp Genetics (formerly Invitae), Labcorp
Classification: Uncertain significance for Primary ciliary dyskinesia 6. Last evaluated: 2024-10-29. Review status: criteria provided, single submitter. Criteria: Invitae Variant Classification Sherloc (09022015). Collection method: clinical testing. Allele origin: germline.
Comment: This sequence change creates a premature translational stop signal (p.Arg323*) in the NME8 gene. It is expected to result in an absent or disrupted protein product. However, the current clinical and genetic evidence is not sufficient to establish whether loss-of-function variants in NME8 cause disease. This variant is present in population databases (rs374455803, gnomAD 0.003%). This variant has not been reported in the literature in individuals affected with NME8-related conditions. Algorithms developed to predict the effect of sequence changes on RNA splicing suggest that this variant may disrupt the consensus splice site. In summary, the available evidence is currently insufficient to determine the role of this variant in disease. Therefore, it has been classified as a Variant of Uncertain Significance.